The following is an entry in ClinVar:

ClinVar aggregate classification (germline): Likely benign (1 of 4 stars; one submission).

Allele frequency attached by ClinVar (database versions not stated): ESP Exome Variant Server 0.00008; TOPMed 0.00009; gnomAD 0.00014; ExAC 0.00002.
gnomAD v4.1: 57 of 1,612,348 alleles (0.0035%); highest among the groups gnomAD compares: African/African-American, 0.041%; no homozygotes.

Submission:

Women's Health and Genetics/Laboratory Corporation of America, LabCorp
Classification: Likely benign. Last evaluated: 2023-10-11. Review status: criteria provided, single submitter. Criteria: LabCorp Variant Classification Summary - May 2015. Collection method: clinical testing. Allele origin: germline.
Comment: Variant summary: GP6 c.325+17C>T alters a nucleotide located at a position not widely known to affect splicing. Consensus agreement among computation tools predict no significant impact on normal splicing. However, these predictions have yet to be confirmed by functional studies. The variant allele was found at a frequency of 2.8e-05 in 247432 control chromosomes (gnomAD). The available data on variant occurrences in the general population are insufficient to allow any conclusion about variant significance. To our knowledge, no occurrence of c.325+17C>T in individuals affected with Platelet-Type Bleeding Disorder 11 and no experimental evidence demonstrating its impact on protein function have been reported. No submitters have cited clinical-significance assessments for this variant to ClinVar after 2014. Based on the evidence outlined above, the variant was classified as likely benign.

NM_016363.5(GP6):c.325+17C>T

Gene: GP6 (glycoprotein VI platelet; minus strand). Cytogenetic location: 19q13.42.
Variant type: single nucleotide variant.
Coding change: c.325+17C>T on transcript NM_016363.5 (MANE Select); 17 bases into the intron after coding-DNA position 325, C replaced by T.
Molecular consequence: intron variant.
Genome position (GRCh38, 1-based): chr19:55,032,122, G>A on the plus strand (C>T on the coding strand, the complement: GP6 is on the minus strand). VCF-style: chr19-55032122-G-A. GRCh37 (hg19) VCF-style: chr19-55543490-G-A.
Other names: c.325+17C>T (NM_001256017.2, NM_001083899.2).
Identifiers: ClinVar variation 2637666 (VCV002637666.1), dbSNP rs370005974, ClinGen allele CA310134084.